The following is an entry in ClinVar:

ClinVar aggregate classification (germline): Conflicting classifications of pathogenicity. Review status: criteria provided, conflicting classifications (1 of 4 stars). 3 submissions from 3 submitters: Uncertain significance (1); Likely benign (2). Last evaluated 2025-11-06.

Conditions:
Inborn genetic diseases. Identifiers: MedGen C0950123, MeSH D030342.
Schaaf-Yang syndrome (SHFYNG). Also called: MAGEL2-related Prader-Willi-like syndrome; Arthrogryposis, distal, with hypopituitarism, intellectual disability, and facial anomalies. Identifiers: Orphanet 398069, MedGen C5575066, MONDO:0014243, OMIM 615547.

Allele frequency attached by ClinVar (database versions not stated): gnomAD exomes 0.00002 and 0.00005; TOPMed 0.00014; gnomAD 0.00019; ExAC 0.00026; 1000 Genomes Project 30x 0.00031; 1000 Genomes Project 0.00040.
gnomAD v4.1: 53 of 1,536,970 alleles (0.0034%); highest among the groups gnomAD compares: African/African-American, 0.071%; no homozygotes.

Submissions (3):

Labcorp Genetics (formerly Invitae), Labcorp
Classification: Likely benign. Last evaluated: 2025-11-06. Review status: criteria provided, single submitter. Criteria: Invitae Variant Classification Sherloc (09022015). Collection method: clinical testing. Allele origin: germline.

Ambry Genetics
Classification: Likely benign for Inborn genetic diseases. Last evaluated: 2024-02-27. Review status: criteria provided, single submitter. Criteria: Ambry Variant Classification Scheme 2023. Collection method: clinical testing. Allele origin: germline.

New York Genome Center
Classification: Uncertain significance for Schaaf-Yang syndrome. Last evaluated: 2022-01-07. Review status: criteria provided, single submitter. Criteria: NYGC Assertion Criteria 2020. Collection method: clinical testing. Allele origin: inherited. Observed: 1 heterozygote. Study: CSER-NYCKidSeq.
Comment: The c.717G>A (p.Met239Ile) variant identified in the MAGEL2 gene substitutes a conserved Methionine for Isoleucine at amino acid 239/1250 (coding exon 1/1).This variant is found with low frequency in gnomAD (14 heterozygotes, 0 homozygotes, allele frequency: 8.14e-5), suggesting it is not a common benign variant in the populations represented in this database. In silico algorithms predict this variant to be Neutral (Provean; score: 0.19) and Damaging (SIFT; score:0.043) to the function of the canonical transcript. This variant is absent from ClinVar and to our current knowledge has not been reported in affected individuals in the literature. The p.Met239 residue is within the large N-terminal Proline-rich domain of MAGEL2 (UniProtKB: Q9UJ55). MAGEL2 is within the imprinted Prader-Willi/Angelman region on chromosome 15q11-15q13, and pathogenic variants in MAGEL2 are located on the paternal allele. While most pathogenic variants in MAGEL2 are nonsense and frameshift, recently the first pathogenic missense variant has been described in an affected individual [PMID:31397880], suggesting missense variants can be a mechanism of disease. The c.717G>A (p.Met239Ile) variant identified in the MAGEL2 gene is reported here as a Variant of Uncertain Significance.

NM_019066.5(MAGEL2):c.717G>A (p.Met239Ile)

Gene: MAGEL2 (MAGE family member L2; minus strand). Cytogenetic location: 15q11.2.
Variant type: single nucleotide variant.
Coding change: c.717G>A on transcript NM_019066.5 (MANE Select); coding-DNA position 717, G replaced by A.
Protein change: p.Met239Ile; replaces methionine 239 with isoleucine.
Molecular consequence: missense variant.
Genome position (GRCh38, 1-based): chr15:23,647,026, C>T on the plus strand (G>A on the coding strand, the complement: MAGEL2 is on the minus strand). VCF-style: chr15-23647026-C-T. GRCh37 (hg19) VCF-style: chr15-23892173-C-T.
Other names: short protein forms M239I.
Identifiers: ClinVar variation 983371 (VCV000983371.8), dbSNP rs552582918, ClinGen allele CA7430085.
Genomic context (GRCh38, chr15:23,647,026, plus strand): 5'-CATCGGTGCTCCCGGAGCAGCAGGCTGGACCATCAGGACTCCCGGAGTCAGAGGCTGGGC[C>T]ATCAGGACTCCCGGAGCTGGAGGCTGGGCCATCGGTGTACCCGGAGGGGGAGGATGAGCC-3'
Protein context (NP_061939.3, residues 229-249): MAQPPAPGVL[Met239Ile]AQPLTPGVLM